The following is an entry in ClinVar:

NM_017838.4(NHP2):c.235A>T (p.Met79Leu)

Gene: NHP2 (NHP2 ribonucleoprotein; minus strand). Cytogenetic location: 5q35.3.
Variant type: single nucleotide variant.
Coding change: c.235A>T on transcript NM_017838.4 (MANE Select); coding-DNA position 235, A replaced by T.
Protein change: p.Met79Leu; replaces methionine 79 with leucine.
Molecular consequence: missense variant. On other transcripts: intron variant (1).
Genome position (GRCh38, 1-based): chr5:178,150,989, T>A on the plus strand (A>T on the coding strand, the complement: NHP2 is on the minus strand). VCF-style: chr5-178150989-T-A. GRCh37 (hg19) VCF-style: chr5-177577990-T-A.
Other names: c.235A>T, p.Met79Leu (NM_001396110.1); c.231-1151A>T (NM_001034833.2); short protein forms M79L.
Identifiers: ClinVar variation 1691883 (VCV001691883.3), dbSNP rs377700562, ClinGen allele CA3589199.

ClinVar aggregate classification (germline): Uncertain significance. Review status: criteria provided, multiple submitters, no conflicts (2 of 4 stars). 2 submissions from 2 submitters: Uncertain significance (2). Last evaluated 2025-03-07.

Conditions:
Dyskeratosis congenita. Identifiers: Orphanet 1775, MedGen C0265965, MONDO:0015780.

Allele frequency attached by ClinVar (database versions not stated): gnomAD exomes below 0.00001 and 0.00001; ExAC 0.00001; gnomAD 0.00001 and 0.00002; TOPMed 0.00001; ESP Exome Variant Server 0.00008.
gnomAD v4.1: 5 of 1,612,764 alleles (0.00031%); highest among the groups gnomAD compares: African/African-American, 0.0027%; no homozygotes.

Submissions (2):

Labcorp Genetics (formerly Invitae), Labcorp
Classification: Uncertain significance for Dyskeratosis congenita. Last evaluated: 2025-03-07. Review status: criteria provided, single submitter. Criteria: Invitae Variant Classification Sherloc (09022015). Collection method: clinical testing. Allele origin: germline.
Comment: This sequence change replaces methionine, which is neutral and non-polar, with leucine, which is neutral and non-polar, at codon 79 of the NHP2 protein (p.Met79Leu). This variant is present in population databases (rs377700562, gnomAD 0.008%). This variant has not been reported in the literature in individuals affected with NHP2-related conditions. ClinVar contains an entry for this variant (Variation ID: 1691883). An algorithm developed to predict the effect of missense changes on protein structure and function (PolyPhen-2) suggests that this variant is likely to be tolerated. In summary, the available evidence is currently insufficient to determine the role of this variant in disease. Therefore, it has been classified as a Variant of Uncertain Significance.

Sema4
Classification: Uncertain significance for Dyskeratosis congenita. Last evaluated: 2022-02-21. Review status: criteria provided, single submitter. Criteria: Sema4 Curation Guidelines. Collection method: curation. Allele origin: germline.
Comment: The NHP2 c.235A>T(p.M79L) variant has not been reported in the literature to our knowledge. It was observed in 2/24960 chromosomes in the African/African American population according to the Genome Aggregation Database (PMID: 32461654). This variant has not been reported in ClinVar. Functional studies have not been performed, and in silico predictions of the variant's effect on protein function are inconclusive. The evidence is insufficient to meet ACMG/AMP criteria for classifying the variant as benign or pathogenic. Thus, the clinical significance of this variant is currently uncertain.